The following is an entry in ClinVar:

NM_015967.8(PTPN22):c.197-4A>G

Genes: AP4B1-AS1 (AP4B1 antisense RNA 1; plus strand), PTPN22 (protein tyrosine phosphatase non-receptor type 22; minus strand). Cytogenetic location: 1p13.2.
Variant type: single nucleotide variant.
Coding change: c.197-4A>G on transcript NM_015967.8 (MANE Select); 4 bases into the intron before coding-DNA position 197, A replaced by G.
Molecular consequence: intron variant.
Genome position (GRCh38, 1-based): chr1:113,859,082, T>C on the plus strand (A>G on the coding strand, the complement: PTPN22 is on the minus strand). VCF-style: chr1-113859082-T-C. GRCh37 (hg19) VCF-style: chr1-114401704-T-C.
Other names: c.197-4A>G (NM_001308297.2, NM_012411.6, NM_001193431.3).
Identifiers: ClinVar variation 734921 (VCV000734921.33), dbSNP rs72650669, ClinGen allele CA1015388.

ClinVar aggregate classification (germline): Benign/Likely benign. Review status: criteria provided, multiple submitters, no conflicts (2 of 4 stars). 6 submissions from 6 submitters: Benign (2); Likely benign (1). 3 of the submissions do not count toward it. Last evaluated 2025-04-01.

Allele frequency attached by ClinVar (database versions not stated): 1000 Genomes Project 30x 0.00047; 1000 Genomes Project 0.00060; ESP Exome Variant Server 0.00131; gnomAD 0.00138 and 0.00141; TOPMed 0.00150; gnomAD exomes 0.00162; ExAC 0.00217.
gnomAD v4.1: 3,338 of 1,613,256 alleles (0.21%); highest among the groups gnomAD compares: Non-Finnish European, 0.26%; 4 homozygotes.

Submissions (6):

CeGaT Center for Human Genetics Tuebingen
Classification: Likely benign. Last evaluated: 2025-04-01. Review status: criteria provided, single submitter. Criteria: CeGaT Center For Human Genetics Tuebingen Variant Classification Criteria Version 2. Collection method: clinical testing. Allele origin: germline. Affected: yes. Observed: 3 variant alleles.
Comment: PTPN22: BP4

Labcorp Genetics (formerly Invitae), Labcorp
Classification: Benign. Last evaluated: 2019-12-31. Review status: criteria provided, single submitter. Criteria: Invitae Variant Classification Sherloc (09022015). Collection method: clinical testing. Allele origin: germline.

Breakthrough Genomics
Classification: Benign. Review status: criteria provided, single submitter. Criteria: ACMG Guidelines, 2015. Collection method: not provided. Allele origin: germline. Inheritance: Autosomal recessive inheritance. Affected: yes.

Clinical Genetics DNA and cytogenetics Diagnostics Lab, Erasmus MC, Erasmus Medical Center
Classification: Likely benign. Review status: no assertion criteria provided. Collection method: clinical testing. Allele origin: germline. Affected: yes. Study: VKGL Data-share Consensus. Not counted in ClinVar's aggregate classification.

Diagnostic Laboratory, Department of Genetics, University Medical Center Groningen
Classification: Likely benign. Review status: no assertion criteria provided. Collection method: clinical testing. Allele origin: germline. Affected: yes. Study: VKGL Data-share Consensus. Not counted in ClinVar's aggregate classification.

Genome Diagnostics Laboratory, University Medical Center Utrecht
Classification: Likely benign. Review status: no assertion criteria provided. Collection method: clinical testing. Allele origin: germline. Affected: yes. Study: VKGL Data-share Consensus. Not counted in ClinVar's aggregate classification.